The following is an entry in ClinVar:

ClinVar aggregate classification (germline): Uncertain significance (1 of 4 stars; one submission).

Conditions:
Facioscapulohumeral muscular dystrophy 2 (FSHD2). Also called: FACIOSCAPULOHUMERAL MUSCULAR DYSTROPHY 2, DIGENIC; FSHD2, DIGENIC; MUSCULAR DYSTROPHY, FACIOSCAPULOHUMERAL, TYPE 1B. Identifiers: Orphanet 269, MedGen C1834671, MONDO:0008031, OMIM 158901.

Allele frequency attached by ClinVar (database versions not stated): gnomAD exomes below 0.00001; gnomAD 0.00001; TOPMed 0.00001.

Submission:

Labcorp Genetics (formerly Invitae), Labcorp
Classification: Uncertain significance for Facioscapulohumeral muscular dystrophy 2. Last evaluated: 2018-02-17. Review status: criteria provided, single submitter. Criteria: Invitae Variant Classification Sherloc (09022015). Collection method: clinical testing. Allele origin: germline.
Comment: In summary, the available evidence is currently insufficient to determine the role of this variant in disease. Therefore, it has been classified as a Variant of Uncertain Significance. Algorithms developed to predict the effect of missense changes on protein structure and function (SIFT, PolyPhen-2, Align-GVGD) all suggest that this variant is likely to be tolerated, but these predictions have not been confirmed by published functional studies and their clinical significance is uncertain. This variant has not been reported in the literature in individuals with SMCHD1-related disease. This variant is not present in population databases (ExAC no frequency). This sequence change replaces methionine with valine at codon 1360 of the SMCHD1 protein (p.Met1360Val). The methionine residue is moderately conserved and there is a small physicochemical difference between methionine and valine.

NM_015295.3(SMCHD1):c.4078A>G (p.Met1360Val)

Gene: SMCHD1 (structural maintenance of chromosomes flexible hinge domain containing 1; plus strand). Cytogenetic location: 18p11.32.
Variant type: single nucleotide variant.
Coding change: c.4078A>G on transcript NM_015295.3 (MANE Select); coding-DNA position 4078, A replaced by G.
Protein change: p.Met1360Val; replaces methionine 1360 with valine.
Molecular consequence: missense variant.
Genome position (GRCh38, 1-based): chr18:2,750,420, A>G. VCF-style: chr18-2750420-A-G. GRCh37 (hg19) VCF-style: chr18-2750418-A-G.
Other names: short protein forms M1360V.
Identifiers: ClinVar variation 565905 (VCV000565905.8), dbSNP rs1345271914, ClinGen allele CA401692038.